The following is an entry in ClinVar:

NM_032603.5(LOXL3):c.1735C>T (p.Arg579Ter)

Gene: LOXL3 (lysyl oxidase like 3; minus strand). Cytogenetic location: 2p13.1.
Variant type: single nucleotide variant.
Coding change: c.1735C>T on transcript NM_032603.5 (MANE Select); coding-DNA position 1735, C replaced by T.
Protein change: p.Arg579Ter; replaces arginine 579 with a stop codon.
Molecular consequence: nonsense.
Genome position (GRCh38, 1-based): chr2:74,534,619, G>A on the plus strand (C>T on the coding strand, the complement: LOXL3 is on the minus strand). VCF-style: chr2-74534619-G-A. GRCh37 (hg19) VCF-style: chr2-74761746-G-A.
Other names: c.1300C>T, p.Arg434Ter (NM_001289164.3); c.652C>T, p.Arg218Ter (NM_001289165.2); short protein forms R434*, R218*, R579*.
Identifiers: ClinVar variation 4996979 (VCV004996979.1).
Genomic context (GRCh38, chr2:74,534,619, plus strand): 5'-GGCGCCCAGCCTTGGGCCTGAAGTCAGCTCGTCCCAGGTTGTGGATCTGGGAGGAGAATC[G>A]GAGCAGACGCCGGTGACCATAGGGCCAGTTGGCTGAGCGGGCTGAGCTGGCCAGGCAGTT-3'

ClinVar aggregate classification (germline): Likely pathogenic (1 of 4 stars; one submission).

Conditions:
LOXL3-related disorder. Also called: LOXL3-related condition.

gnomAD v4.1: 11 of 1,614,196 alleles (0.00068%); highest among the groups gnomAD compares: Non-Finnish European, 0.00093%; no homozygotes.

Submission:

PreventionGenetics, part of Exact Sciences
Classification: Likely pathogenic for LOXL3-related condition. Last evaluated: 2024-12-16. Review status: criteria provided, single submitter. Criteria: ACMG Guidelines, 2015. Collection method: clinical testing. Allele origin: germline.
Comment: The LOXL3 c.1735C>T variant is predicted to result in premature protein termination (p.Arg579*). To our knowledge, this variant has not been reported in the literature or in a large population database (gnomAD), indicating this variant is rare. Nonsense variants in LOXL3 are expected to be pathogenic. This variant is interpreted as likely pathogenic.